The following is an entry in ClinVar:

ClinVar aggregate classification (germline): Likely benign (1 of 4 stars; one submission).

gnomAD v4.1: 1 of 1,614,170 alleles (0.000062%); highest among the groups gnomAD compares: Non-Finnish European, 0.000085%; no homozygotes.

Submission:

CeGaT Center for Human Genetics Tuebingen
Classification: Likely benign. Last evaluated: 2024-02-01. Review status: criteria provided, single submitter. Criteria: CeGaT Center For Human Genetics Tuebingen Variant Classification Criteria Version 2. Collection method: clinical testing. Allele origin: germline. Affected: yes. Observed: 1 variant allele.
Comment: VPS13B: PM2:Supporting, BP4, BP7

NM_152564.5(VPS13B):c.11763G>A (p.Glu3921=)

Gene: VPS13B (vacuolar protein sorting 13 homolog B; plus strand). Cytogenetic location: 8q22.2.
Variant type: single nucleotide variant.
Coding change: c.11763G>A on transcript NM_152564.5 (MANE Select); coding-DNA position 11763, G replaced by A.
Protein change: p.Glu3921=; no amino-acid change (glutamic acid 3921 retained).
Molecular consequence: synonymous variant.
Genome position (GRCh38, 1-based): chr8:99,875,435, G>A. VCF-style: chr8-99875435-G-A. GRCh37 (hg19) VCF-style: chr8-100887663-G-A.
Other names: c.11838G>A, p.Glu3946= (NM_017890.5).
Identifiers: ClinVar variation 3027147 (VCV003027147.22), dbSNP rs1419710977, ClinGen allele CA462458475.
Genomic context (GRCh38, chr8:99,875,435, plus strand): 5'-CGTAAGGGTCTGGCAACTAATCTTTATTATTTTTGGATCCTAGGTAGATGGAGTCCGAGA[G>A]AGACTGTCAGAGCAACAGTACAACAGACTGGTGGACTACATCACAAAGACATCTTGTCAC-3'
Protein context (NP_689777.3, residues 3911-3931): ACDVEVDGVR[Glu3921=]RLSEQQYNRL